The following is an entry in ClinVar:

ClinVar aggregate classification (germline): Benign/Likely benign. Review status: criteria provided, multiple submitters, no conflicts (2 of 4 stars). 6 submissions from 6 submitters: Benign (1); Likely benign (4). 1 of the submissions does not count toward it. Last evaluated 2026-04-16.

Conditions:
Hereditary cancer-predisposing syndrome. Also called: Hereditary Cancer Syndrome; Tumor predisposition; Neoplastic Syndromes, Hereditary; Hereditary neoplastic syndrome. Identifiers: Orphanet 140162, MedGen C0027672, MeSH D009386, MONDO:0015356.
DICER1-related disorder. Also called: DICER1-related condition.
DICER1-related tumor predisposition. Also called: DICER1-related pleuropulmonary blastoma cancer predisposition syndrome; DICER1 syndrome. Identifiers: Orphanet 284343, MedGen C3839822, MONDO:0100216.

Allele frequency attached by ClinVar (database versions not stated): gnomAD exomes 0.00001 and 0.00002; TOPMed 0.00001; ExAC 0.00002.
gnomAD v4.1: 5 of 1,614,164 alleles (0.00031%); highest among the groups gnomAD compares: Admixed American, 0.0083%; no homozygotes.

Submissions (6):

Myriad Genetics, Inc.
Classification: Benign for DICER1-related tumor predisposition. Last evaluated: 2026-04-16. Review status: criteria provided, single submitter. Criteria: Myriad Autosomal Dominant, Autosomal Recessive and X-Linked Classification Criteria (2023). Collection method: clinical testing. Allele origin: unknown.
Comment: This variant is considered benign. This variant is a silent/synonymous amino acid change and it is not expected to impact splicing.

Labcorp Genetics (formerly Invitae), Labcorp
Classification: Likely benign for DICER1-related tumor predisposition. Last evaluated: 2025-12-22. Review status: criteria provided, single submitter. Criteria: Invitae Variant Classification Sherloc (09022015). Collection method: clinical testing. Allele origin: germline.

CeGaT Center for Human Genetics Tuebingen
Classification: Likely benign. Last evaluated: 2025-08-01. Review status: criteria provided, single submitter. Criteria: CeGaT Center For Human Genetics Tuebingen Variant Classification Criteria Version 2. Collection method: clinical testing. Allele origin: germline. Affected: yes. Observed: 1 variant allele.
Comment: DICER1: BP4, BP7

Quest Diagnostics Nichols Institute San Juan Capistrano
Classification: Likely benign. Last evaluated: 2023-06-27. Review status: criteria provided, single submitter. Criteria: Quest Diagnostics criteria. Collection method: clinical testing. Allele origin: unknown.

Ambry Genetics
Classification: Likely benign for Hereditary cancer-predisposing syndrome. Last evaluated: 2018-09-07. Review status: criteria provided, single submitter. Criteria: Ambry Variant Classification Scheme 2023. Collection method: clinical testing. Allele origin: germline.

PreventionGenetics, part of Exact Sciences
Classification: Likely benign for DICER1-related condition. Last evaluated: 2024-07-29. Review status: no assertion criteria provided. Collection method: clinical testing. Allele origin: germline. Not counted in ClinVar's aggregate classification.
Comment: This variant is classified as likely benign based on ACMG/AMP sequence variant interpretation guidelines (Richards et al. 2015 PMID: 25741868, with internal and published modifications).

NM_177438.3(DICER1):c.2958A>G (p.Pro986=)

Gene: DICER1 (dicer 1, ribonuclease III; minus strand). Cytogenetic location: 14q32.13.
Variant type: single nucleotide variant.
Coding change: c.2958A>G on transcript NM_177438.3 (MANE Select); coding-DNA position 2958, A replaced by G.
Protein change: p.Pro986=; no amino-acid change (proline 986 retained).
Molecular consequence: synonymous variant.
Genome position (GRCh38, 1-based): chr14:95,106,070, T>C on the plus strand (A>G on the coding strand, the complement: DICER1 is on the minus strand). VCF-style: chr14-95106070-T-C. GRCh37 (hg19) VCF-style: chr14-95572407-T-C.
Other names: c.2958A>G, p.Pro986= (NM_001195573.1, NM_001271282.3, NM_001291628.2 and 1 more transcripts).
Identifiers: ClinVar variation 543676 (VCV000543676.27), dbSNP rs767029582, ClinGen allele CA7331147.